The following is an entry in ClinVar:

NM_005732.4(RAD50):c.194C>T (p.Thr65Ile)

Gene: RAD50 (RAD50 double strand break repair protein; plus strand). Cytogenetic location: 5q31.1.
Variant type: single nucleotide variant.
Coding change: c.194C>T on transcript NM_005732.4 (MANE Select); coding-DNA position 194, C replaced by T.
Protein change: p.Thr65Ile; replaces threonine 65 with isoleucine.
Molecular consequence: missense variant.
Genome position (GRCh38, 1-based): chr5:132,559,348, C>T. VCF-style: chr5-132559348-C-T. GRCh37 (hg19) VCF-style: chr5-131895040-C-T.
Other names: short protein forms T65I.
Identifiers: ClinVar variation 140887 (VCV000140887.16), dbSNP rs587781345, ClinGen allele CA163836.

ClinVar aggregate classification (germline): Uncertain significance. Review status: criteria provided, multiple submitters, no conflicts (2 of 4 stars). 2 submissions from 2 submitters: Uncertain significance (2). Last evaluated 2025-12-07.

Conditions:
Hereditary cancer-predisposing syndrome. Also called: Neoplastic Syndromes, Hereditary; Tumor predisposition; Hereditary Cancer Syndrome; Hereditary neoplastic syndrome. Identifiers: Orphanet 140162, MedGen C0027672, MeSH D009386, MONDO:0015356.

Allele frequency attached by ClinVar (database versions not stated): TOPMed below 0.00001.
gnomAD v4.1: 1 of 1,608,762 alleles (0.000062%); highest among the groups gnomAD compares: Non-Finnish European, 0.000085%; no homozygotes.

Submissions (2):

Ambry Genetics
Classification: Uncertain significance for Hereditary cancer-predisposing syndrome. Last evaluated: 2025-12-07. Review status: criteria provided, single submitter. Criteria: Ambry Variant Classification Scheme 2023. Collection method: clinical testing. Allele origin: germline.
Comment: The p.T65I variant (also known as c.194C>T), located in coding exon 2 of the RAD50 gene, results from a C to T substitution at nucleotide position 194. The threonine at codon 65 is replaced by isoleucine, an amino acid with similar properties. This amino acid position is well conserved in available vertebrate species. In addition, this alteration is predicted to be tolerated by in silico analysis. Since supporting evidence is limited at this time, the clinical significance of this alteration remains unclear.

Labcorp Genetics (formerly Invitae), Labcorp
Classification: Uncertain significance for Hereditary cancer-predisposing syndrome. Last evaluated: 2025-09-13. Review status: criteria provided, single submitter. Criteria: Invitae Variant Classification Sherloc (09022015). Collection method: clinical testing. Allele origin: germline.
Comment: This sequence change replaces threonine, which is neutral and polar, with isoleucine, which is neutral and non-polar, at codon 65 of the RAD50 protein (p.Thr65Ile). This variant is not present in population databases (gnomAD no frequency). This variant has not been reported in the literature in individuals affected with RAD50-related conditions. ClinVar contains an entry for this variant (Variation ID: 140887). Invitae Evidence Modeling of protein sequence and biophysical properties (such as structural, functional, and spatial information, amino acid conservation, physicochemical variation, residue mobility, and thermodynamic stability) indicates that this missense variant is not expected to disrupt RAD50 protein function with a negative predictive value of 80%. In summary, the available evidence is currently insufficient to determine the role of this variant in disease. Therefore, it has been classified as a Variant of Uncertain Significance.